The following is an entry in ClinVar:

NM_153704.6(TMEM67):c.150C>T (p.Asp50=)

Gene: TMEM67 (transmembrane protein 67; plus strand). Cytogenetic location: 8q22.1.
Variant type: single nucleotide variant.
Coding change: c.150C>T on transcript NM_153704.6 (MANE Select); coding-DNA position 150, C replaced by T.
Protein change: p.Asp50=; no amino-acid change (aspartic acid 50 retained).
Molecular consequence: synonymous variant. On other transcripts: 5 prime UTR variant (1), non-coding transcript variant (1).
Genome position (GRCh38, 1-based): chr8:93,755,064, C>T. VCF-style: chr8-93755064-C-T. GRCh37 (hg19) VCF-style: chr8-94767292-C-T.
Other names: c.-135C>T (NM_001142301.1).
Identifiers: ClinVar variation 3347649 (VCV003347649.1).

ClinVar aggregate classification (germline): Likely benign (0 of 4 stars; one submission).

Conditions:
TMEM67-related disorder. Also called: TMEM67-related condition; TMEM67-related disorders. Identifiers: MedGen CN239423.

gnomAD v4.1: 1 of 1,614,236 alleles (0.000062%); highest among the groups gnomAD compares: Non-Finnish European, 0.000085%; no homozygotes.

Submission:

PreventionGenetics, part of Exact Sciences
Classification: Likely benign for TMEM67-related condition. Last evaluated: 2024-08-08. Review status: no assertion criteria provided. Collection method: clinical testing. Allele origin: germline.
Comment: This variant is classified as likely benign based on ACMG/AMP sequence variant interpretation guidelines (Richards et al. 2015 PMID: 25741868, with internal and published modifications).